The following is an entry in ClinVar:

NM_144499.3(GNAT1):c.310A>G (p.Met104Val)

Gene: GNAT1 (G protein subunit alpha transducin 1; plus strand). Cytogenetic location: 3p21.31.
Variant type: single nucleotide variant.
Coding change: c.310A>G on transcript NM_144499.3 (MANE Select); coding-DNA position 310, A replaced by G.
Protein change: p.Met104Val; replaces methionine 104 with valine.
Molecular consequence: missense variant.
Genome position (GRCh38, 1-based): chr3:50,193,524, A>G. VCF-style: chr3-50193524-A-G. GRCh37 (hg19) VCF-style: chr3-50230957-A-G.
Other names: c.310A>G, p.Met104Val (NM_000172.4); short protein forms M104V.
Identifiers: ClinVar variation 1016964 (VCV001016964.5), dbSNP rs1699447851, ClinGen allele CA352914418.

ClinVar aggregate classification (germline): Uncertain significance (1 of 4 stars; one submission).

Allele frequency attached by ClinVar (database versions not stated): gnomAD exomes below 0.00001.

Submission:

Labcorp Genetics (formerly Invitae), Labcorp
Classification: Uncertain significance. Last evaluated: 2022-02-24. Review status: criteria provided, single submitter. Criteria: Invitae Variant Classification Sherloc (09022015). Collection method: clinical testing. Allele origin: germline.
Comment: In summary, the available evidence is currently insufficient to determine the role of this variant in disease. Therefore, it has been classified as a Variant of Uncertain Significance. Algorithms developed to predict the effect of missense changes on protein structure and function (SIFT, PolyPhen-2, Align-GVGD) all suggest that this variant is likely to be tolerated. ClinVar contains an entry for this variant (Variation ID: 1016964). This variant has not been reported in the literature in individuals affected with GNAT1-related conditions. This variant is not present in population databases (gnomAD no frequency). This sequence change replaces methionine, which is neutral and non-polar, with valine, which is neutral and non-polar, at codon 104 of the GNAT1 protein (p.Met104Val).